The following is an entry in ClinVar:

ClinVar aggregate classification (germline): Pathogenic (1 of 4 stars; one submission).

Submission:

GeneDx
Classification: Pathogenic. Last evaluated: 2018-02-26. Review status: criteria provided, single submitter. Criteria: GeneDx Variant Classification (06012015). Collection method: clinical testing. Allele origin: germline. Affected: yes.
Comment: The c.1711delA pathogenic variant in the TCF4 gene has not been reported previously as a pathogenic variant, nor as a benign variant, to our knowledge. The c.1711delA variant causes a frameshift starting with codon Methionine 571, changes this amino acid to a Tryptophan residue, and creates a premature Stop codon at position 39 of the new reading frame, denoted p.Met571TrpfsX39. This variant is predicted to cause loss of normal protein function through protein truncation. The c.1711delA variant is not observed in large population cohorts (Lek et al., 2016). We interpret c.1711delA as a pathogenic variant.

NM_001083962.2(TCF4):c.1711del (p.Met571fs)

Gene: TCF4 (transcription factor 4; minus strand). Cytogenetic location: 18q21.2.
Variant type: Deletion.
Coding change: c.1711del on transcript NM_001083962.2 (MANE Select); coding-DNA position 1711, one base deleted (A; older notation c.1711delA).
Protein change: p.Met571fs; shifts the reading frame from methionine 571.
Molecular consequence: frameshift variant.
Genome position (GRCh38, 1-based): chr18:55,229,015, T deleted on the plus strand (A on the coding strand, the reverse complement: TCF4 is on the minus strand). VCF-style (leftmost placement, unchanged base first): chr18-55229014-AT-A. GRCh37 (hg19) VCF-style: chr18-52896245-AT-A.
Other names: c.2017del, p.Met673fs (NM_001243226.3); c.1639del, p.Met547fs (NM_001243227.2, NM_001348217.1, NM_001348218.2 and 1 more transcripts); c.1729del, p.Met577fs (NM_001243228.2); c.1690del, p.Met564fs (NM_001243230.2); c.1573del, p.Met525fs (NM_001243231.2); c.1498del, p.Met500fs (NM_001243232.1); c.1309del, p.Met437fs (NM_001243233.2, NM_001348212.2); c.1231del, p.Met411fs (NM_001243234.2, NM_001348216.2); and 14 more; short protein forms M407fs, M564fs, M571fs, M355fs, M406fs, M437fs, M441fs, M525fs.
Identifiers: ClinVar variation 504319 (VCV000504319.2), dbSNP rs1555710866, ClinGen allele CA658799068.
Genomic context (GRCh38, chr18:55,229,014, plus strand): 5'-AGCTCTTTGAAAGCCTCGTTGATGTCACGGACCCGCAGACGCTCTCGGGCATTGTTGGCC[AT>A]CCTCCGCTCCTTCTCACGCTCTGCCTTCTGCTCTGGTGTCAGGTCCTCATCGTCATTATT-3'